The following is an entry in ClinVar:

NC_000002.12:g.(?_32147208)_(32147268_?)dup

Gene: SPAST (spastin; plus strand). Cytogenetic location: 2p22.3.
Variant type: Duplication.
Identifiers: ClinVar variation 831588 (VCV000831588.3).

ClinVar aggregate classification (germline): Pathogenic (1 of 4 stars; one submission).

Conditions:
Hereditary spastic paraplegia 4. Also called: Spastic paraplegia 4, autosomal dominant; Spastic Paraplegia 4; Familial spastic paraplegia autosomal dominant 2. Identifiers: Orphanet 100985, MedGen C1866855, MONDO:0008438, OMIM 182601.

Submission:

Labcorp Genetics (formerly Invitae), Labcorp
Classification: Pathogenic for Hereditary spastic paraplegia 4. Last evaluated: 2020-09-21. Review status: criteria provided, single submitter. Criteria: Invitae Variant Classification Sherloc (09022015). Collection method: clinical testing. Allele origin: germline.
Comment: For these reasons, this variant has been classified as Pathogenic. Loss-of-function variants in SPAST are known to be pathogenic (PMID: 20932283). This variant has been observed in individual(s) with hereditary spastic paraplegia (PMID: 23252998). This variant results in a copy number gain of the genomic region encompassing exon(s) 16 of the SPAST gene. While the exact position of this variant cannot be determined from the data, sub-genic copy number gains are generally in tandem (PMID: 25640679). This variant is predicted to be out-of-frame, and may result in an absent or disrupted protein product.

Literature cited by the submitters: PubMed 20932283; PubMed 23252998; PubMed 25640679.